The following is an entry in ClinVar:

ClinVar aggregate classification (germline): Likely benign. Review status: criteria provided, single submitter (1 of 4 stars). 2 submissions from 2 submitters: Likely benign (1). 1 of the submissions does not count toward it. Last evaluated 2024-10-26.

Conditions:
Alstrom syndrome (ALMS). Identifiers: Orphanet 64, MedGen C0268425, MONDO:0008763, OMIM 203800.
ALMS1-related disorder. Also called: ALMS1-related condition.

gnomAD v4.1: 1 of 1,614,100 alleles (0.000062%); highest among the groups gnomAD compares: African/African-American, 0.0013%; no homozygotes.

Submissions (2):

Labcorp Genetics (formerly Invitae), Labcorp
Classification: Likely benign for Alstrom syndrome. Last evaluated: 2024-10-26. Review status: criteria provided, single submitter. Criteria: Invitae Variant Classification Sherloc (09022015). Collection method: clinical testing. Allele origin: germline.

PreventionGenetics, part of Exact Sciences
Classification: Likely benign for ALMS1-related condition. Last evaluated: 2020-06-15. Review status: no assertion criteria provided. Collection method: clinical testing. Allele origin: germline. Not counted in ClinVar's aggregate classification.
Comment: This variant is classified as likely benign based on ACMG/AMP sequence variant interpretation guidelines (Richards et al. 2015 PMID: 25741868, with internal and published modifications).

NM_001378454.1(ALMS1):c.4335T>C (p.His1445=)

Gene: ALMS1 (ALMS1 centrosome and basal body associated protein; plus strand). Cytogenetic location: 2p13.1.
Variant type: single nucleotide variant.
Coding change: c.4335T>C on transcript NM_001378454.1 (MANE Select); coding-DNA position 4335, T replaced by C.
Protein change: p.His1445=; no amino-acid change (histidine 1445 retained).
Molecular consequence: synonymous variant.
Genome position (GRCh38, 1-based): chr2:73,450,862, T>C. VCF-style: chr2-73450862-T-C. GRCh37 (hg19) VCF-style: chr2-73677989-T-C.
Other names: c.4338T>C, p.His1446= (NM_015120.4).
Identifiers: ClinVar variation 1608303 (VCV001608303.9), dbSNP rs1671921734, ClinGen allele CA427021022.